The following is an entry in ClinVar:

NM_005220.3(DLX3):c.*1296G>A

Gene: DLX3 (distal-less homeobox 3; minus strand). Cytogenetic location: 17q21.33.
Variant type: single nucleotide variant.
Coding change: c.*1296G>A on transcript NM_005220.3 (MANE Select); 1296 bases downstream of the stop codon, G replaced by A.
Molecular consequence: 3 prime UTR variant.
Genome position (GRCh38, 1-based): chr17:49,990,221, C>T on the plus strand (G>A on the coding strand, the complement: DLX3 is on the minus strand). VCF-style: chr17-49990221-C-T. GRCh37 (hg19) VCF-style: chr17-48067585-C-T.
Other names: NC_000017.10:g.48067585C>T.
Identifiers: ClinVar variation 892304 (VCV000892304.5), dbSNP rs117813438, ClinGen allele CA291504692.
Genomic context (GRCh38, chr17:49,990,221, plus strand): 5'-CCACAAAACCCAAATCCAGCCGGAGCCCACATCTCTCAGCTTGAAACACACAGGGAGATC[C>T]GTCCAGGAGGAACATGGCCACATAAATAGGAAACCGCAGCAGGGAGGAGGCTGCTTCTCT-3'

ClinVar aggregate classification (germline): Benign (1 of 4 stars; one submission).

Conditions:
Hypomaturation-hypoplastic amelogenesis imperfecta with taurodontism. Also called: Amelogenesis imperfecta, type IV. Identifiers: Orphanet 100034, Orphanet 88661, MedGen C1863012, MONDO:0007093, OMIM 104510. Disease mechanism: loss of function.

Allele frequency attached by ClinVar (database versions not stated): gnomAD 0.00066 and 0.00085; TOPMed 0.00114; 1000 Genomes Project 30x 0.00468; 1000 Genomes Project 0.00499.

Submissions (2):

Illumina Laboratory Services, Illumina
Classification: Benign for Hypomaturation-hypoplastic amelogenesis imperfecta with taurodontism. Last evaluated: 2018-01-13. Review status: criteria provided, single submitter. Criteria: ICSL Variant Classification Criteria 13 December 2019. Collection method: clinical testing. Allele origin: germline.
Comment: This variant was observed in the ICSL laboratory as part of a predisposition screen in an ostensibly healthy population. It had not been previously curated by ICSL or reported in the Human Gene Mutation Database (HGMD: prior to June 1st, 2018), and was therefore a candidate for classification through an automated scoring system. Utilizing variant allele frequency, disease prevalence and penetrance estimates, and inheritance mode, an automated score was calculated to assess if this variant is too frequent to cause the disease. Based on the score and internal cut-off values, a variant classified as benign is not then subjected to further curation. The score for this variant resulted in a classification of benign for this disease.

Dr. Peter K. Rogan Lab, Western University
No classification provided (evidence only). Condition: Malignant tumor of esophagus. Review status: no classification provided. Collection method: in vitro. Allele origin: not applicable. Functional consequence: retained intron. Not counted in ClinVar's aggregate classification.